The following is an entry in ClinVar:

ClinVar aggregate classification (germline): Uncertain significance (1 of 4 stars; one submission).

Submission:

Labcorp Genetics (formerly Invitae), Labcorp
Classification: Uncertain significance. Last evaluated: 2023-10-03. Review status: criteria provided, single submitter. Criteria: Invitae Variant Classification Sherloc (09022015). Collection method: clinical testing. Allele origin: germline.
Comment: This sequence change replaces glutamic acid, which is acidic and polar, with alanine, which is neutral and non-polar, at codon 350 of the CTNNA1 protein (p.Glu350Ala). This variant is not present in population databases (gnomAD no frequency). This variant has not been reported in the literature in individuals affected with CTNNA1-related conditions. Advanced modeling of protein sequence and biophysical properties (such as structural, functional, and spatial information, amino acid conservation, physicochemical variation, residue mobility, and thermodynamic stability) performed at Invitae indicates that this missense variant is not expected to disrupt CTNNA1 protein function. In summary, the available evidence is currently insufficient to determine the role of this variant in disease. Therefore, it has been classified as a Variant of Uncertain Significance.

NM_001903.5(CTNNA1):c.1049A>C (p.Glu350Ala)

Gene: CTNNA1 (catenin alpha 1; plus strand). Cytogenetic location: 5q31.2.
Variant type: single nucleotide variant.
Coding change: c.1049A>C on transcript NM_001903.5 (MANE Select); coding-DNA position 1049, A replaced by C.
Protein change: p.Glu350Ala; replaces glutamic acid 350 with alanine.
Molecular consequence: missense variant.
Genome position (GRCh38, 1-based): chr5:138,827,705, A>C. VCF-style: chr5-138827705-A-C. GRCh37 (hg19) VCF-style: chr5-138163394-A-C.
Other names: c.1049A>C, p.Glu350Ala (NM_001290307.3, NM_001323982.2, NM_001323983.1 and 3 more transcripts); c.740A>C, p.Glu247Ala (NM_001290309.3); c.680A>C, p.Glu227Ala (NM_001290310.3); short protein forms E350A, E227A, E247A.
Identifiers: ClinVar variation 2764863 (VCV002764863.3), dbSNP rs2532448429, ClinGen allele CA361131296.
Genomic context (GRCh38, chr5:138,827,705, plus strand): 5'-GTGAGCGAATTGTGGCAGAGTGTAATGCTGTCCGCCAGGCCCTGCAGGACCTGCTTTCGG[A>C]GTACATGGGCAATGTGAGTTTGACAGCTTTTCTTTGAAGTAAGATATTTATGGATGAGGA-3'
Protein context (NP_001894.2, residues 340-360): VRQALQDLLS[Glu350Ala]YMGNAGRKER